The following is an entry in ClinVar:

ClinVar aggregate classification (germline): Uncertain significance. Review status: criteria provided, multiple submitters, no conflicts (2 of 4 stars). 2 submissions from 2 submitters: Uncertain significance (2). Last evaluated 2025-05-04.

Allele frequency attached by ClinVar (database versions not stated): gnomAD 0.00001; ExAC 0.00001; TOPMed 0.00002; gnomAD exomes 0.00001.
gnomAD v4.1: 13 of 1,614,008 alleles (0.00081%); highest among the groups gnomAD compares: East Asian, 0.0089%; no homozygotes.

Submissions (2):

Labcorp Genetics (formerly Invitae), Labcorp
Classification: Uncertain significance. Last evaluated: 2025-05-04. Review status: criteria provided, single submitter. Criteria: Invitae Variant Classification Sherloc (09022015). Collection method: clinical testing. Allele origin: germline.
Comment: This sequence change replaces valine, which is neutral and non-polar, with alanine, which is neutral and non-polar, at codon 671 of the MKL1 protein (p.Val671Ala). This variant is present in population databases (rs750111867, gnomAD 0.003%). This variant has not been reported in the literature in individuals affected with MKL1-related conditions. ClinVar contains an entry for this variant (Variation ID: 3210035). An algorithm developed to predict the effect of missense changes on protein structure and function (PolyPhen-2) suggests that this variant is likely to be tolerated. In summary, the available evidence is currently insufficient to determine the role of this variant in disease. Therefore, it has been classified as a Variant of Uncertain Significance.

Ambry Genetics
Classification: Uncertain significance. Last evaluated: 2025-05-01. Review status: criteria provided, single submitter. Criteria: Ambry Variant Classification Scheme 2023. Collection method: clinical testing. Allele origin: germline.

NM_020831.6(MRTFA):c.2312T>C (p.Val771Ala)

Gene: MRTFA (myocardin related transcription factor A; minus strand). Cytogenetic location: 22q13.1.
Variant type: single nucleotide variant.
Coding change: c.2312T>C on transcript NM_020831.6 (MANE Select); coding-DNA position 2312, T replaced by C.
Protein change: p.Val771Ala; replaces valine 771 with alanine.
Molecular consequence: missense variant.
Genome position (GRCh38, 1-based): chr22:40,418,426, A>G on the plus strand (T>C on the coding strand, the complement: MRTFA is on the minus strand). VCF-style: chr22-40418426-A-G. GRCh37 (hg19) VCF-style: chr22-40814430-A-G.
Other names: c.2012T>C, p.Val671Ala (NM_001282660.2); c.2162T>C, p.Val721Ala (NM_001282661.3); c.2312T>C, p.Val771Ala (NM_001282662.3); c.2117T>C, p.Val706Ala (NM_001318139.2); short protein forms V671A, V706A, V771A, V721A.
Identifiers: ClinVar variation 3210035 (VCV003210035.4), dbSNP rs750111867, ClinGen allele CA10249375.